The following is an entry in ClinVar:

ClinVar aggregate classification (germline): Pathogenic (0 of 4 stars; one submission).

Conditions:
Familial hypercholesterolemia. Also called: Familial hypercholesterolaemia. Identifiers: MedGen C0020445, MONDO:0005439.

gnomAD v4.1: 1 of 1,594,946 alleles (0.000063%); highest among the groups gnomAD compares: South Asian, 0.0011%; no homozygotes.

Submission:

Research Laboratories, P. D. Hinduja Hospital & MRC
Classification: Pathogenic for Familial hypercholesterolemia. Last evaluated: 2022-12-16. Review status: no assertion criteria provided. Collection method: case-control. Allele origin: germline. Affected: yes. Observed: 1 variant allele, 1 heterozygote.
Comment: This variant was identified as part of the ICMR-funded project (Ref No. 2020-3881). A missense variant in PLA1A (NM_001206961.2), exon 5: c.842C>G, resulting in a serine-to-cysteine substitution at codon 281 (p.S281C). To our knowledge, functional studies specific to this variant have not been reported. This variant has not been described in individuals with Familial Hypercholesterolemia (FH) in the literature; however, the PLA1A gene is associated with lipid metabolism according to the LIPID MAPS Proteome Database (LMPD). Computational predictions using MutationTaster and PolyPhen-2 suggest that this variant is likely deleterious and possibly damaging to protein function (GRCh38)."

NM_015900.4(PLA1A):c.1361C>G (p.Ala454Gly)

Gene: PLA1A (phospholipase A1 member A; plus strand). Cytogenetic location: 3q13.33.
Variant type: single nucleotide variant.
Coding change: c.1361C>G on transcript NM_015900.4 (MANE Select); coding-DNA position 1361, C replaced by G.
Protein change: p.Ala454Gly; replaces alanine 454 with glycine.
Molecular consequence: missense variant. On other transcripts: non-coding transcript variant (1).
Genome position (GRCh38, 1-based): chr3:119,629,458, C>G. VCF-style: chr3-119629458-C-G. GRCh37 (hg19) VCF-style: chr3-119348305-C-G.
Other names: c.1313C>G, p.Ala438Gly (NM_001206960.2, NM_001293225.2); c.842C>G, p.Ala281Gly (NM_001206961.2); short protein forms A281G, A438G, A454G.
Identifiers: ClinVar variation 4082121 (VCV004082121.1).